The following is an entry in ClinVar:

ClinVar aggregate classification (germline): Likely benign. Review status: criteria provided, multiple submitters, no conflicts (2 of 4 stars). 3 submissions from 3 submitters: Likely benign (3). Last evaluated 2025-06-15.

Conditions:
Hereditary cancer-predisposing syndrome. Also called: Tumor predisposition; Neoplastic Syndromes, Hereditary; Hereditary Cancer Syndrome; Hereditary neoplastic syndrome. Identifiers: Orphanet 140162, MedGen C0027672, MeSH D009386, MONDO:0015356.
Retinoblastoma (RB1). Also called: RETINOBLASTOMA, SOMATIC. Identifiers: Orphanet 790, MedGen C0035335, MeSH D012175, MONDO:0008380, OMIM 180200, HP:0009919. Disease mechanism: loss of function. Inheritance: Both sporadic and heritable forms are tested..

Allele frequency attached by ClinVar (database versions not stated): gnomAD exomes below 0.00001.
gnomAD v4.1: 3 of 1,603,090 alleles (0.00019%); highest among the groups gnomAD compares: Non-Finnish European, 0.00017%; no homozygotes.

Submissions (3):

Labcorp Genetics (formerly Invitae), Labcorp
Classification: Likely benign for Retinoblastoma. Last evaluated: 2025-06-15. Review status: criteria provided, single submitter. Criteria: Invitae Variant Classification Sherloc (09022015). Collection method: clinical testing. Allele origin: germline.

All of Us Research Program, National Institutes of Health
Classification: Likely benign for Retinoblastoma. Last evaluated: 2023-06-26. Review status: criteria provided, single submitter. Criteria: ACMG Guidelines, 2015. Collection method: clinical testing. Allele origin: germline. Inheritance: Autosomal dominant inheritance. Observed: 1 variant allele, 1 heterozygote.
Comment: This study involves interpretation of variants in research participants for the purpose of population health screening. Participant phenotype was not available at the time of variant classification. Additional details can be found in publication PMID: 35346344, PMCID: PMC8962531

Ambry Genetics
Classification: Likely benign for Hereditary cancer-predisposing syndrome. Last evaluated: 2022-09-23. Review status: criteria provided, single submitter. Criteria: Ambry Variant Classification Scheme 2023. Collection method: clinical testing. Allele origin: germline.

NM_000321.3(RB1):c.565T>C (p.Leu189=)

Gene: RB1 (RB transcriptional corepressor 1; plus strand). Cytogenetic location: 13q14.2.
Variant type: single nucleotide variant.
Coding change: c.565T>C on transcript NM_000321.3 (MANE Select); coding-DNA position 565, T replaced by C.
Protein change: p.Leu189=; no amino-acid change (leucine 189 retained).
Molecular consequence: synonymous variant.
Genome position (GRCh38, 1-based): chr13:48,348,981, T>C. VCF-style: chr13-48348981-T-C. GRCh37 (hg19) VCF-style: chr13-48923117-T-C.
Identifiers: ClinVar variation 1646441 (VCV001646441.11), dbSNP rs2138093547, ClinGen allele CA483557531.